The following is an entry in ClinVar:

ClinVar aggregate classification (germline): Conflicting classifications of pathogenicity. Review status: criteria provided, conflicting classifications (1 of 4 stars). 11 submissions from 11 submitters: Uncertain significance (9); Likely benign (1). 1 of the submissions does not count toward it. Last evaluated 2025-12-14.

Conditions:
Hereditary cancer-predisposing syndrome. Also called: Hereditary Cancer Syndrome; Hereditary neoplastic syndrome; Tumor predisposition; Neoplastic Syndromes, Hereditary. Identifiers: Orphanet 140162, MedGen C0027672, MeSH D009386, MONDO:0015356.
Hereditary breast ovarian cancer syndrome. Also called: Hereditary breast and ovarian cancer syndrome; Hereditary breast and ovarian cancer syndrome (HBOC); BRCA1- and BRCA2-Associated Hereditary Breast and Ovarian Cancer; Breast and ovarian cancer; Hereditary breast and ovarian cancer; Hereditary breast and/or ovarian cancer syndrome. Identifiers: Orphanet 145, MedGen C0677776, MeSH D061325, MONDO:0003582. Disease mechanism: loss of function.
Familial cancer of breast. Also called: BREAST CANCER, FAMILIAL; Hereditary breast cancer; hereditary breast carcinoma. Identifiers: Orphanet 227535, MedGen C0346153, MONDO:0016419, OMIM 114480. Disease mechanism: loss of function.
Fanconi anemia, complementation group S (FANCS). Identifiers: MedGen C4554406, MONDO:0054748, OMIM 617883.
Breast-ovarian cancer, familial, susceptibility to, 1 (BROVCA1). Also called: OVARIAN CANCER, SUSCEPTIBILITY TO; BRCA1 Hereditary Breast and Ovarian Cancer. Identifiers: Orphanet 145, MedGen C2676676, MONDO:0011450, OMIM 604370. Disease mechanism: loss of function.
BRCA1-related disorder. Also called: BRCA1-related condition.

Allele frequency attached by ClinVar (database versions not stated): gnomAD exomes below 0.00001 and 0.00001; gnomAD 0.00001; TOPMed 0.00002.
gnomAD v4.1: 5 of 1,613,936 alleles (0.00031%); highest among the groups gnomAD compares: Admixed American, 0.0067%; no homozygotes.

Submissions 1 to 6 of 11:

Labcorp Genetics (formerly Invitae), Labcorp
Classification: Uncertain significance for Hereditary breast ovarian cancer syndrome. Last evaluated: 2025-12-14. Review status: criteria provided, single submitter. Criteria: Invitae Variant Classification Sherloc (09022015). Collection method: clinical testing. Allele origin: germline.
Comment: This sequence change replaces leucine, which is neutral and non-polar, with serine, which is neutral and polar, at codon 771 of the BRCA1 protein (p.Leu771Ser). This variant is present in population databases (rs730881481, gnomAD 0.0009%). This missense change has been observed in individual(s) with hereditary breast and/or ovarian cancer (PMID: 24321281, 29088781, 30702160). ClinVar contains an entry for this variant (Variation ID: 182145). Invitae Evidence Modeling of protein sequence and biophysical properties (such as structural, functional, and spatial information, amino acid conservation, physicochemical variation, residue mobility, and thermodynamic stability) indicates that this missense variant is expected to disrupt BRCA1 protein function with a positive predictive value of 80%. In summary, the available evidence is currently insufficient to determine the role of this variant in disease. Therefore, it has been classified as a Variant of Uncertain Significance.

Color Diagnostics, LLC DBA Color Health
Classification: Uncertain significance for Hereditary cancer-predisposing syndrome. Last evaluated: 2025-01-14. Review status: criteria provided, single submitter. Criteria: ACMG Guidelines, 2015. Collection method: clinical testing. Allele origin: germline.
Comment: This missense variant replaces leucine with serine at codon 771 of the BRCA1 protein. Computational prediction suggests that this variant may not impact protein structure and function. This variant has been observed in an individual affected with ovarian cancer (PMID: 24321281) and in suspected hereditary breast and ovarian cancer families (PMID: 29088781, 34981296). This variant also has been reported in breast, prostate and pancreatic cancer case-control studies in the Japanese population, in which this variant was detected in one unaffected individual in each study and absent in cancer cases (PMID: 30287823, 31214711, 32980694). This variant also has been reported in a multifactorial analysis with a likelihood ratio for pathogenicity based on personal and family history of 1.148 from log(LR)=0.059960604 for 1 carrier (PMID: 31853058). This variant has been identified in 1/251042 chromosomes in the general population by the Genome Aggregation Database (gnomAD). The available evidence is insufficient to determine the role of this variant in disease conclusively. Therefore, this variant is classified as a Variant of Uncertain Significance.

ARUP Laboratories, Molecular Genetics and Genomics, ARUP Laboratories
Classification: Uncertain significance. Last evaluated: 2024-11-14. Review status: criteria provided, single submitter. Criteria: ARUP Molecular Germline Variant Investigation Process 2024. Collection method: clinical testing. Allele origin: germline.
Comment: The BRCA1 c.2312T>C; p.Leu771Ser variant (rs730881481) is reported in the literature in several individuals with breast or ovarian cancer but also in a healthy control individual (Alvarez 2017, Bhaskaran 2019, Li 2013, Momozawa 2018). This variant is only observed on one allele in the Genome Aggregation Database (v2.1.1), indicating it is not a common polymorphism. Computational analyses predict that this variant is neutral (BayesDel: 0.060). Due to limited information, the clinical significance of this variant is uncertain at this time. References: Alvarez C et al. BRCA1 and BRCA2 founder mutations account for 78% of germline carriers among hereditary breast cancer families in Chile. Oncotarget. 2017 Jun 29;8(43):74233-74243. PMID: 29088781. Bhaskaran SP et al. Germline variation in BRCA1/2 is highly ethnic-specific: Evidence from over 30,000 Chinese hereditary breast and ovarian cancer patients. Int J Cancer. 2019 Aug 15;145(4):962-973. PMID: 30702160. Li D et al. Effect of BRCA1 on epidermal growth factor receptor in ovarian cancer. J Exp Clin Cancer Res. 2013 Dec 9;32(1):102. PMID: 24321281. Momozawa Y et al. Germline pathogenic variants of 11 breast cancer genes in 7,051 Japanese patients and 11,241 controls. Nat Commun. 2018 Oct 4;9(1):4083. PMID: 30287823.

Ambry Genetics
Classification: Uncertain significance for Hereditary cancer-predisposing syndrome. Last evaluated: 2024-04-29. Review status: criteria provided, single submitter. Criteria: Ambry Variant Classification Scheme 2023. Collection method: clinical testing. Allele origin: germline.
Comment: The p.L771S variant (also known as c.2312T>C), located in coding exon 9 of the BRCA1 gene, results from a T to C substitution at nucleotide position 2312. The leucine at codon 771 is replaced by serine, an amino acid with dissimilar properties. This alteration was identified in a cohort of Chilean breast cancer patients (Alvarez C et al. Oncotarget, 2017 Sep;8:74233-74243). This amino acid position is not well conserved in available vertebrate species. In addition, the in silico prediction for this alteration is inconclusive. Based on the available evidence, the clinical significance of this variant remains unclear.

Women's Health and Genetics/Laboratory Corporation of America, LabCorp
Classification: Uncertain significance. Last evaluated: 2023-11-02. Review status: criteria provided, single submitter. Criteria: LabCorp Variant Classification Summary - May 2015. Collection method: clinical testing. Allele origin: germline.
Comment: Variant summary: BRCA1 c.2312T>C (p.Leu771Ser) results in a non-conservative amino acid change in the encoded protein sequence. Three of five in-silico tools predict a benign effect of the variant on protein function. The variant allele was found at a frequency of 4e-06 in 251042 control chromosomes (gnomAD). The available data on variant occurrences in the general population are insufficient to allow any conclusion about variant significance. c.2312T>C has been reported in the literature in individuals affected with Hereditary Breast And Ovarian Cancer Syndrome (e.g., Li_2013, Alvarez_2017). However the variant has also been reported in healthy controls (e.g., Momozawa_2018, Okawa_2023). These reports therefore do not provide unequivocal conclusions about association of the variant with Hereditary Breast And Ovarian Cancer Syndrome. To our knowledge, no experimental evidence demonstrating an impact on protein function has been reported. The following publications have been ascertained in the context of this evaluation (PMID: 29088781, 34981296, 24321281, 30287823, 36243179, 8723683). Six submitters have reported clinical-significance assessments for this variant to ClinVar after 2014. Five submitters classified the variant as uncertain significance, and one submitter classified the variant as likely benign. Based on the evidence outlined above, the variant was classified as uncertain significance.

Department of Pathology and Laboratory Medicine, Sinai Health System
Classification: Uncertain significance for Familial cancer of breast; Breast-ovarian cancer, familial, susceptibility to, 1; Fanconi anemia, complementation group S. Last evaluated: 2023-09-19. Review status: criteria provided, single submitter. Criteria: ACMG Guidelines, 2015. Collection method: clinical testing. Allele origin: germline. Affected: yes.

NM_007294.4(BRCA1):c.2312T>C (p.Leu771Ser)

Gene: BRCA1 (BRCA1 DNA repair associated; minus strand). Cytogenetic location: 17q21.31.
Variant type: single nucleotide variant.
Coding change: c.2312T>C on transcript NM_007294.4 (MANE Select); coding-DNA position 2312, T replaced by C.
Protein change: p.Leu771Ser; replaces leucine 771 with serine.
Molecular consequence: missense variant. On other transcripts: intron variant (137).
Genome position (GRCh38, 1-based): chr17:43,093,219, A>G on the plus strand (T>C on the coding strand, the complement: BRCA1 is on the minus strand). VCF-style: chr17-43093219-A-G. GRCh37 (hg19) VCF-style: chr17-41245236-A-G.
Other names: p.L771S:TTG>TCG; c.2171T>C, p.Leu724Ser (NM_001407750.1, NM_001407751.1, NM_001407850.1 and 29 more transcripts); c.2168T>C, p.Leu723Ser (NM_001407848.1, NM_001407849.1, NM_001407943.1 and 20 more transcripts); c.2099T>C, p.Leu700Ser (NM_001407853.1, NM_001407894.1, NM_001407895.1 and 9 more transcripts); c.2312T>C, p.Leu771Ser (NM_001407854.1, NM_001407858.1, NM_001407859.1 and 30 more transcripts); c.2102T>C, p.Leu701Ser (NM_001407885.1, NM_001407886.1, NM_001407887.1 and 13 more transcripts); c.2189T>C, p.Leu730Ser (NM_001407919.1, NM_001407937.1, NM_001407938.1 and 19 more transcripts); c.2048T>C, p.Leu683Ser (NM_001407920.1, NM_001407921.1, NM_001407922.1 and 9 more transcripts); and 42 more; short protein forms L771S, L724S, L475S, L703S, L729S, L603S, L644S, L659S.
Identifiers: ClinVar variation 182145 (VCV000182145.32), dbSNP rs730881481, ClinGen allele CA001543.